The following is an entry in ClinVar:

ClinVar aggregate classification (germline): Likely pathogenic (0 of 4 stars; one submission).

Conditions:
SCN1A-related disorder. Also called: SCN1A-related conditions; SCN1A-related condition; SCN1A-related disorders.

Submission:

PreventionGenetics, part of Exact Sciences
Classification: Likely pathogenic for SCN1A-related condition. Last evaluated: 2024-05-08. Review status: no assertion criteria provided. Collection method: clinical testing. Allele origin: germline.
Comment: The SCN1A c.4942C>A variant is predicted to result in the amino acid substitution p.Arg1648Ser. To our knowledge, this variant has not been reported in the literature or in a large population database, indicating this variant is rare. Different missense changes impacting the same amino acid (p.Arg1648Pro, p.Arg1648His, p.Arg1648Cys, and p.Arg1648Leu) have been reported to be causative for epilepsy phenotypes, suggesting that the Arg1648 residue is critical for SCN1A function (Gertler et al. 2020. PubMed ID: 31864146; Brunklaus et al. 2020. PubMed ID: 32090326; Lindy et al. 2018. PubMed ID: 29655203). Taken together, the c.4942C>A (p.Arg1648Ser) variant is interpreted as likely pathogenic.

NM_001165963.4(SCN1A):c.4942C>A (p.Arg1648Ser)

Genes: SCN1A (sodium voltage-gated channel alpha subunit 1; minus strand), LOC102724058 (uncharacterized LOC102724058; plus strand). Cytogenetic location: 2q24.3.
Variant type: single nucleotide variant.
Coding change: c.4942C>A on transcript NM_001165963.4 (MANE Select); coding-DNA position 4942, C replaced by A.
Protein change: p.Arg1648Ser; replaces arginine 1648 with serine.
Molecular consequence: missense variant. On other transcripts: non-coding transcript variant (1).
Genome position (GRCh38, 1-based): chr2:165,992,333, G>T on the plus strand (C>A on the coding strand, the complement: SCN1A is on the minus strand). VCF-style: chr2-165992333-G-T. GRCh37 (hg19) VCF-style: chr2-166848843-G-T.
Other names: c.4858C>A, p.Arg1620Ser (NM_001165964.3, NM_001353957.2, NM_001353958.2); c.4942C>A, p.Arg1648Ser (NM_001202435.3, NM_001353948.2); c.4909C>A, p.Arg1637Ser (NM_001353949.2, NM_001353950.2, NM_001353951.2 and 2 more transcripts); c.4906C>A, p.Arg1636Ser (NM_001353954.2, NM_001353955.2); c.4855C>A, p.Arg1619Ser (NM_001353960.2); c.2500C>A, p.Arg834Ser (NM_001353961.2); short protein forms R1619S, R1620S, R1636S, R1637S, R1648S, R834S.
Identifiers: ClinVar variation 3061392 (VCV003061392.2), dbSNP rs121918791, ClinGen allele CA349070086.
Genomic context (GRCh38, chr2:165,992,333, plus strand): 5'-GAAGGGACATCATCAAAGCAAAGAGCAGCGTGCGGATCCCCTTTGCTCCTTTGATCAGAC[G>T]TAGGATTCGGCCAATCCTAGCAAGACGGATCACTCGGAACAGGGTAGGGGACACGAAATA-3'
Protein context (NP_001159435.1, residues 1638-1658): IRLARIGRIL[Arg1648Ser]LIKGAKGIRT